The following is an entry in ClinVar:

ClinVar aggregate classification (germline): Uncertain significance (1 of 4 stars; one submission).

Conditions:
Fanconi anemia (FA). Also called: Fanconi's anemia. Identifiers: Orphanet 84, MedGen C0015625, MeSH D005199, MONDO:0019391.

gnomAD v4.1: 15 of 1,612,484 alleles (0.00093%); highest among the groups gnomAD compares: African/African-American, 0.0013%; no homozygotes.

Submission:

Labcorp Genetics (formerly Invitae), Labcorp
Classification: Uncertain significance for Fanconi anemia. Last evaluated: 2021-08-13. Review status: criteria provided, single submitter. Criteria: Invitae Variant Classification Sherloc (09022015). Collection method: clinical testing. Allele origin: germline.
Comment: This sequence change replaces arginine with glycine at codon 487 of the FANCA protein (p.Arg487Gly). The arginine residue is weakly conserved and there is a moderate physicochemical difference between arginine and glycine. This variant is not present in population databases (ExAC no frequency). This variant has not been reported in the literature in individuals affected with FANCA-related conditions. Algorithms developed to predict the effect of missense changes on protein structure and function (SIFT, PolyPhen-2, Align-GVGD) all suggest that this variant is likely to be tolerated. In summary, the available evidence is currently insufficient to determine the role of this variant in disease. Therefore, it has been classified as a Variant of Uncertain Significance.

NM_000135.4(FANCA):c.1459C>G (p.Arg487Gly)

Gene: FANCA (FA complementation group A; minus strand). Cytogenetic location: 16q24.3.
Variant type: single nucleotide variant.
Coding change: c.1459C>G on transcript NM_000135.4 (MANE Select); coding-DNA position 1459, C replaced by G.
Protein change: p.Arg487Gly; replaces arginine 487 with glycine.
Molecular consequence: missense variant.
Genome position (GRCh38, 1-based): chr16:89,784,865, G>C on the plus strand (C>G on the coding strand, the complement: FANCA is on the minus strand). VCF-style: chr16-89784865-G-C. GRCh37 (hg19) VCF-style: chr16-89851273-G-C.
Other names: c.1459C>G, p.Arg487Gly (NM_001286167.3); short protein forms R487G.
Identifiers: ClinVar variation 1495410 (VCV001495410.5), dbSNP rs143083764, ClinGen allele CA397459639.
Genomic context (GRCh38, chr16:89,784,865, plus strand): 5'-CAGGTGAGCGAAGCACCAGAAATCATGGATGTGGCAGCCAGCTTCTCACCTGCAGGTACC[G>C]GGGAGACTCAAAAGGCACGAGTTCTGACAAGAACGTAAACAGGAAGACCAGGGCCTTCTT-3'
Protein context (NP_000126.2, residues 477-497): LSELVPFESP[Arg487Gly]YLQVHILHPP